The following is an entry in ClinVar:

ClinVar aggregate classification (germline): Uncertain significance (1 of 4 stars; one submission).

Submission:

Ambry Genetics
Classification: Uncertain significance. Last evaluated: 2024-01-09. Review status: criteria provided, single submitter. Criteria: Ambry Variant Classification Scheme 2023. Collection method: clinical testing. Allele origin: germline.
Comment: The p.L273I variant (also known as c.817C>A), located in coding exon 6 of the POLQ gene, results from a C to A substitution at nucleotide position 817. The leucine at codon 273 is replaced by isoleucine, an amino acid with highly similar properties. This amino acid position is conserved. In addition, this alteration is predicted to be tolerated by in silico analysis. Since supporting evidence is limited at this time, the clinical significance of this alteration remains unclear.

NM_199420.4(POLQ):c.817C>A (p.Leu273Ile)

Gene: POLQ (DNA polymerase theta; minus strand). Cytogenetic location: 3q13.33.
Variant type: single nucleotide variant.
Coding change: c.817C>A on transcript NM_199420.4 (MANE Select); coding-DNA position 817, C replaced by A.
Protein change: p.Leu273Ile; replaces leucine 273 with isoleucine.
Molecular consequence: missense variant.
Genome position (GRCh38, 1-based): chr3:121,533,133, G>T on the plus strand (C>A on the coding strand, the complement: POLQ is on the minus strand). VCF-style: chr3-121533133-G-T. GRCh37 (hg19) VCF-style: chr3-121251980-G-T.
Other names: short protein forms L273I.
Identifiers: ClinVar variation 3230179 (VCV003230179.1), dbSNP rs2546819725, ClinGen allele CA354126526.